The following is an entry in ClinVar:

ClinVar aggregate classification (germline): Uncertain significance (1 of 4 stars; one submission).

Conditions:
Periodic fever-infantile enterocolitis-autoinflammatory syndrome. Also called: Autoinflammation with infantile enterocolitis. Identifiers: Orphanet 436166, MedGen C4015067, MONDO:0014472, OMIM 616050.
Familial cold autoinflammatory syndrome 4 (FCAS4). Identifiers: Orphanet 47045, Orphanet 576349, MedGen C4015276, MONDO:0014498, OMIM 616115.

Submission:

Labcorp Genetics (formerly Invitae), Labcorp
Classification: Uncertain significance for Periodic fever-infantile enterocolitis-autoinflammatory syndrome; Familial cold autoinflammatory syndrome 4. Last evaluated: 2023-10-17. Review status: criteria provided, single submitter. Criteria: Invitae Variant Classification Sherloc (09022015). Collection method: clinical testing. Allele origin: germline.
Comment: This sequence change replaces aspartic acid, which is acidic and polar, with asparagine, which is neutral and polar, at codon 391 of the NLRC4 protein (p.Asp391Asn). This variant is not present in population databases (gnomAD no frequency). This variant has not been reported in the literature in individuals affected with NLRC4-related conditions. Advanced modeling of protein sequence and biophysical properties (such as structural, functional, and spatial information, amino acid conservation, physicochemical variation, residue mobility, and thermodynamic stability) performed at Invitae indicates that this missense variant is not expected to disrupt NLRC4 protein function. In summary, the available evidence is currently insufficient to determine the role of this variant in disease. Therefore, it has been classified as a Variant of Uncertain Significance.

NM_001199138.2(NLRC4):c.1171G>A (p.Asp391Asn)

Gene: NLRC4 (NLR family CARD domain containing 4; minus strand). Cytogenetic location: 2p22.3.
Variant type: single nucleotide variant.
Coding change: c.1171G>A on transcript NM_001199138.2 (MANE Select); coding-DNA position 1171, G replaced by A.
Protein change: p.Asp391Asn; replaces aspartic acid 391 with asparagine.
Molecular consequence: missense variant. On other transcripts: intron variant (1).
Genome position (GRCh38, 1-based): chr2:32,250,693, C>T on the plus strand (G>A on the coding strand, the complement: NLRC4 is on the minus strand). VCF-style: chr2-32250693-C-T. GRCh37 (hg19) VCF-style: chr2-32475762-C-T.
Other names: c.1171G>A, p.Asp391Asn (NM_001199139.2, NM_021209.5); c.262+1726G>A (NM_001302504.1); short protein forms D391N.
Identifiers: ClinVar variation 2940056 (VCV002940056.3), dbSNP rs2466760727, ClinGen allele CA346513287.
Genomic context (GRCh38, chr2:32,250,693, plus strand): 5'-GCAGTTCGAAATCAAACTTGTGGGAGAACACACCCTCCAGAGCTAGGTCTCCACAGTGGT[C>T]CAGGCTCCGAATGAAGTCACTTGCAGCCACACCTTTATGTTTGTGTTTGTTTTTCTGTAT-3'
Protein context (NP_001186067.1, residues 381-401): VAASDFIRSL[Asp391Asn]HCGDLALEGV